The following is an entry in ClinVar:

ClinVar aggregate classification (germline): Uncertain significance (1 of 4 stars; one submission).

Conditions:
Mowat-Wilson syndrome (MOWS). Also called: Classic Mowat-Wilson Syndrome. Identifiers: Orphanet 2152, MedGen C1856113, MONDO:0009341, OMIM 235730.

Allele frequency attached by ClinVar (database versions not stated): TOPMed below 0.00001.
gnomAD v4.1: 2 of 1,613,552 alleles (0.00012%); highest among the groups gnomAD compares: Non-Finnish European, 0.000085%; no homozygotes.

Submission:

Labcorp Genetics (formerly Invitae), Labcorp
Classification: Uncertain significance for Mowat-Wilson syndrome. Last evaluated: 2024-04-08. Review status: criteria provided, single submitter. Criteria: Invitae Variant Classification Sherloc (09022015). Collection method: clinical testing. Allele origin: germline.
Comment: This sequence change replaces proline, which is neutral and non-polar, with leucine, which is neutral and non-polar, at codon 10 of the ZEB2 protein (p.Pro10Leu). This variant is not present in population databases (gnomAD no frequency). This variant has not been reported in the literature in individuals affected with ZEB2-related conditions. ClinVar contains an entry for this variant (Variation ID: 839856). An algorithm developed to predict the effect of missense changes on protein structure and function (PolyPhen-2) suggests that this variant is likely to be tolerated. In summary, the available evidence is currently insufficient to determine the role of this variant in disease. Therefore, it has been classified as a Variant of Uncertain Significance.

NM_014795.4(ZEB2):c.29C>T (p.Pro10Leu)

Gene: ZEB2 (zinc finger E-box binding homeobox 2; minus strand). Cytogenetic location: 2q22.3.
Variant type: single nucleotide variant.
Coding change: c.29C>T on transcript NM_014795.4 (MANE Select); coding-DNA position 29, C replaced by T.
Protein change: p.Pro10Leu; replaces proline 10 with leucine.
Molecular consequence: missense variant. On other transcripts: non-coding transcript variant (1).
Genome position (GRCh38, 1-based): chr2:144,517,322, G>A on the plus strand (C>T on the coding strand, the complement: ZEB2 is on the minus strand). VCF-style: chr2-144517322-G-A. GRCh37 (hg19) VCF-style: chr2-145274889-G-A.
Other names: c.29C>T, p.Pro10Leu (NM_001171653.2); short protein forms P10L.
Identifiers: ClinVar variation 839856 (VCV000839856.9), dbSNP rs1383459443, ClinGen allele CA348858391.